The following is an entry in ClinVar:

NM_030662.4(MAP2K2):c.70C>G (p.Pro24Ala)

Genes: MAP2K2 (mitogen-activated protein kinase kinase 2; minus strand), LOC130063193 (ATAC-STARR-seq lymphoblastoid silent region 9881; plus strand). Cytogenetic location: 19p13.3.
Variant type: single nucleotide variant.
Coding change: c.70C>G on transcript NM_030662.4 (MANE Select); coding-DNA position 70, C replaced by G.
Protein change: p.Pro24Ala; replaces proline 24 with alanine.
Molecular consequence: missense variant.
Genome position (GRCh38, 1-based): chr19:4,123,806, G>C on the plus strand (C>G on the coding strand, the complement: MAP2K2 is on the minus strand). VCF-style: chr19-4123806-G-C. GRCh37 (hg19) VCF-style: chr19-4123803-G-C.
Other names: short protein forms P24A.
Identifiers: ClinVar variation 2649029 (VCV002649029.24), dbSNP rs2512327821, ClinGen allele CA403395958.
Genomic context (GRCh38, chr19:4,123,806, plus strand): 5'-GTGCACCCCAAGCCTCCGGCTGACCCCTGCCCACTCACTCGGAGGCGCCCTCGCTGGTAG[G>C]GGATGGGCCCTCGGCGATGGTAGGGTTGATGGTGAGCGCCGGCAGCACCGGCTTCCTCCG-3'
Protein context (NP_109587.1, residues 14-34): INPTIAEGPS[Pro24Ala]TSEGASEANL

ClinVar aggregate classification (germline): Uncertain significance (1 of 4 stars; one submission).

Submission:

CeGaT Center for Human Genetics Tuebingen
Classification: Uncertain significance. Last evaluated: 2022-06-01. Review status: criteria provided, single submitter. Criteria: CeGaT Center For Human Genetics Tuebingen Variant Classification Criteria Version 2. Collection method: clinical testing. Allele origin: germline. Affected: yes. Observed: 1 variant allele.
Comment: MAP2K2: PM2